The following is an entry in ClinVar:

NM_004655.4(AXIN2):c.2264G>T (p.Gly755Val)

Gene: AXIN2 (axin 2; minus strand). Cytogenetic location: 17q24.1.
Variant type: single nucleotide variant.
Coding change: c.2264G>T on transcript NM_004655.4 (MANE Select); coding-DNA position 2264, G replaced by T.
Protein change: p.Gly755Val; replaces glycine 755 with valine.
Molecular consequence: missense variant.
Genome position (GRCh38, 1-based): chr17:65,534,053, C>A on the plus strand (G>T on the coding strand, the complement: AXIN2 is on the minus strand). VCF-style: chr17-65534053-C-A. GRCh37 (hg19) VCF-style: chr17-63530171-C-A.
Other names: c.2264G>T (LRG_296t1); c.2069G>T, p.Gly690Val (NM_001363813.1); short protein forms G755V, G690V.
Identifiers: ClinVar variation 645560 (VCV000645560.14), dbSNP rs981540341, ClinGen allele CA293093207.

ClinVar aggregate classification (germline): Uncertain significance. Review status: criteria provided, multiple submitters, no conflicts (2 of 4 stars). 3 submissions from 3 submitters: Uncertain significance (3). Last evaluated 2026-01-28.

Conditions:
Hereditary cancer-predisposing syndrome. Also called: Hereditary Cancer Syndrome; Tumor predisposition; Hereditary neoplastic syndrome; Neoplastic Syndromes, Hereditary. Identifiers: Orphanet 140162, MedGen C0027672, MeSH D009386, MONDO:0015356.
Oligodontia-cancer predisposition syndrome. Also called: TOOTH AGENESIS-COLORECTAL CANCER SYNDROME. Identifiers: Orphanet 300576, MedGen C1837750, MONDO:0012075, OMIM 608615. Disease mechanism: loss of function.

gnomAD v4.1: 9 of 1,614,250 alleles (0.00056%); highest among the groups gnomAD compares: East Asian, 0.02%; no homozygotes.

Submissions (3):

Labcorp Genetics (formerly Invitae), Labcorp
Classification: Uncertain significance for Oligodontia-cancer predisposition syndrome. Last evaluated: 2026-01-28. Review status: criteria provided, single submitter. Criteria: Invitae Variant Classification Sherloc (09022015). Collection method: clinical testing. Allele origin: germline.
Comment: This sequence change replaces glycine, which is neutral and non-polar, with valine, which is neutral and non-polar, at codon 755 of the AXIN2 protein (p.Gly755Val). This variant is not present in population databases (gnomAD no frequency). This variant has not been reported in the literature in individuals affected with AXIN2-related conditions. ClinVar contains an entry for this variant (Variation ID: 645560). Invitae Evidence Modeling of protein sequence and biophysical properties (such as structural, functional, and spatial information, amino acid conservation, physicochemical variation, residue mobility, and thermodynamic stability) indicates that this missense variant is not expected to disrupt AXIN2 protein function with a negative predictive value of 80%. In summary, the available evidence is currently insufficient to determine the role of this variant in disease. Therefore, it has been classified as a Variant of Uncertain Significance.

Ambry Genetics
Classification: Uncertain significance for Hereditary cancer-predisposing syndrome. Last evaluated: 2022-11-17. Review status: criteria provided, single submitter. Criteria: Ambry Variant Classification Scheme 2023. Collection method: clinical testing. Allele origin: germline.
Comment: The p.G755V variant (also known as c.2264G>T), located in coding exon 9 of the AXIN2 gene, results from a G to T substitution at nucleotide position 2264. The glycine at codon 755 is replaced by valine, an amino acid with dissimilar properties. This amino acid position is conserved. In addition, this alteration is predicted to be tolerated by in silico analysis. Since supporting evidence is limited at this time, the clinical significance of this alteration remains unclear.

GeneDx
Classification: Uncertain significance. Last evaluated: 2019-08-12. Review status: criteria provided, single submitter. Criteria: GeneDx Variant Classification Process June 2021. Collection method: clinical testing. Allele origin: germline. Affected: yes.
Comment: Not observed in large population cohorts (Lek 2016); In silico analysis, which includes protein predictors and evolutionary conservation, supports a deleterious effect; Has not been previously published as pathogenic or benign to our knowledge